The following is an entry in ClinVar:

NM_000393.5(COL5A2):c.1716+5G>A

Gene: COL5A2 (collagen type V alpha 2 chain; minus strand). Cytogenetic location: 2q32.2.
Variant type: single nucleotide variant.
Coding change: c.1716+5G>A on transcript NM_000393.5 (MANE Select); 5 bases into the intron after coding-DNA position 1716, G replaced by A.
Molecular consequence: intron variant.
Genome position (GRCh38, 1-based): chr2:189,064,552, C>T on the plus strand (G>A on the coding strand, the complement: COL5A2 is on the minus strand). VCF-style: chr2-189064552-C-T. GRCh37 (hg19) VCF-style: chr2-189929278-C-T.
Identifiers: ClinVar variation 213146 (VCV000213146.4), dbSNP rs863223504, ClinGen allele CA323738.

ClinVar aggregate classification (germline): Uncertain significance. Review status: criteria provided, multiple submitters, no conflicts (2 of 4 stars). 3 submissions from 3 submitters: Uncertain significance (3). Last evaluated 2026-01-29.

Conditions:
Ehlers-Danlos syndrome, classic type, 1 (EDSCL1). Also called: Ehlers-Danlos Syndrome, Classic Type, COL5A1-Related; EHLERS-DANLOS SYNDROME, GRAVIS TYPE; EHLERS-DANLOS SYNDROME, SEVERE CLASSIC TYPE; Ehlers-Danlos syndrome, type 1; EDS I. Identifiers: MedGen C0268335, MONDO:0019567, OMIM 130000.

Allele frequency attached by ClinVar (database versions not stated): gnomAD exomes below 0.00001.
gnomAD v4.1: 2 of 1,610,414 alleles (0.00012%); highest among the groups gnomAD compares: Non-Finnish European, 0.00017%; no homozygotes.

Submissions (3):

Labcorp Genetics (formerly Invitae), Labcorp
Classification: Uncertain significance for Ehlers-Danlos syndrome, classic type, 1. Last evaluated: 2026-01-29. Review status: criteria provided, single submitter. Criteria: Invitae Variant Classification Sherloc (09022015). Collection method: clinical testing. Allele origin: germline.
Comment: This sequence change falls in intron 25 of the COL5A2 gene. It does not directly change the encoded amino acid sequence of the COL5A2 protein. It affects a nucleotide within the consensus splice site. This variant is not present in population databases (gnomAD no frequency). This variant has not been reported in the literature in individuals affected with COL5A2-related conditions. ClinVar contains an entry for this variant (Variation ID: 213146). Variants that disrupt the consensus splice site are a relatively common cause of aberrant splicing (PMID: 17576681, 9536098). Algorithms developed to predict the effect of sequence changes on RNA splicing suggest that this variant may disrupt the consensus splice site. In summary, the available evidence is currently insufficient to determine the role of this variant in disease. Therefore, it has been classified as a Variant of Uncertain Significance.

Mayo Clinic Laboratories, Mayo Clinic
Classification: Uncertain significance. Last evaluated: 2025-02-28. Review status: criteria provided, single submitter. Criteria: ACMG Guidelines, 2015. Collection method: clinical testing. Allele origin: germline. Observed: 1 variant allele.
Comment: PM2_supporting

GeneDx
Classification: Uncertain significance. Last evaluated: 2014-12-31. Review status: criteria provided, single submitter. Criteria: GeneDx Variant Classification (06012015). Collection method: clinical testing. Allele origin: germline. Affected: yes.
Comment: TAAD is a genetically heterogeneous disorder characterized by aortic dilatation, aneurysms, dissections and/or aneurysms of other major arteries. Approximately 4% of patients with autosomal dominant Ehlers-Danlos syndrome, classic type, have been reported to have a mutation in the COL5A2 gene (Malfait F et al., 2011). c.1716+5 G>A in intron 25 of the COL5A2 gene (NM_000393.3) A variant of unknown significance has been identified in the COL5A2 gene. The c.1716+5 G>A variant has not been published as a mutation, nor has it been reported as a benign polymorphism to our knowledge. In silico splice prediction programs predict c.1716+5 G>A results in decreased efficiency of the natural splice donor site of intron 25, which may lead to either an abnormal message that is subject to nonsense-mediated mRNA decay, or to an abnormal protein product if the message is used for protein translation. Other splice site mutations in the COL5A2 gene have been reported in association with Ehlers-Danlos syndrome. Additionally, the c.1716+5 G>A variant was not observed in approximately 6500 individuals of European and African American ancestry in the NHLBI Exome Sequencing Project, indicating it is not a common benign variant in these populations. Therefore, based on the currently available information, it is unclear whether this variant is a pathogenic mutation or a rare benign variant. This variant was found in TAADV2-1.

Literature cited by the submitters: PubMed 17576681 (cited by Labcorp Genetics (formerly Invitae), Labcorp); PubMed 9536098 (cited by Labcorp Genetics (formerly Invitae), Labcorp).